The following is an entry in ClinVar:

NM_004006.3(DMD):c.1331+4del

Gene: DMD (dystrophin; minus strand). Cytogenetic location: Xp21.1.
Variant type: Deletion.
Coding change: c.1331+4del on transcript NM_004006.3 (MANE Select); 4 bases into the intron after coding-DNA position 1331, one base deleted (A; older notation c.1331+4delA).
Molecular consequence: intron variant.
Genome position (GRCh38, 1-based): chrX:32,644,128, T deleted on the plus strand (A on the coding strand, the reverse complement: DMD is on the minus strand); the first of 2 consecutive T bases (chrX:32,644,128-32,644,129); deleting either gives the same sequence. VCF-style (leftmost placement, unchanged base first): chrX-32644127-CT-C. GRCh37 (hg19) VCF-style: chrX-32662244-CT-C.
Other names: c.1307+4del (NM_000109.4); c.1319+4del (NM_004009.3); c.962+4del (NM_004010.3).
Identifiers: ClinVar variation 962321 (VCV000962321.10), dbSNP rs2059639861, ClinGen allele CA1139667382.
Genomic context (GRCh38, chrX:32,644,127, plus strand): 5'-ATCAAAATAATCACAAGCTTCCAAAACTTGTTAGTCTTCTTAATTAAAAACAAATAAGGA[CT>C]TACTTGCTTTGTTTTTCCATGCTAGCTACCCTGAGGCATTCCCATCTTGAATTTAGGAGA-3'

ClinVar aggregate classification (germline): Uncertain significance (1 of 4 stars; one submission).

Conditions:
Duchenne muscular dystrophy (DMD). Also called: MUSCULAR DYSTROPHY, PSEUDOHYPERTROPHIC PROGRESSIVE, DUCHENNE TYPE; Duchenne Muscular Dystrophy (DMD). Identifiers: Orphanet 98896, MedGen C0013264, MONDO:0010679, OMIM 310200.

Submission:

Labcorp Genetics (formerly Invitae), Labcorp
Classification: Uncertain significance for Duchenne muscular dystrophy. Last evaluated: 2025-09-21. Review status: criteria provided, single submitter. Criteria: Invitae Variant Classification Sherloc (09022015). Collection method: clinical testing. Allele origin: germline.
Comment: This sequence change falls in intron 11 of the DMD gene. It does not directly change the encoded amino acid sequence of the DMD protein. It affects a nucleotide within the consensus splice site. This variant is not present in population databases (gnomAD no frequency). This variant has been observed in individual(s) with Duchenne muscular dystrophy (internal data). ClinVar contains an entry for this variant (Variation ID: 962321). Variants that disrupt the consensus splice site are a relatively common cause of aberrant splicing (PMID: 17576681, 9536098). Algorithms developed to predict the effect of sequence changes on RNA splicing suggest that this variant may disrupt the consensus splice site. In summary, the available evidence is currently insufficient to determine the role of this variant in disease. Therefore, it has been classified as a Variant of Uncertain Significance.

Literature cited by the submitters: PubMed 17576681; PubMed 9536098.